The following is an entry in ClinVar:

ClinVar aggregate classification (germline): Uncertain significance. Review status: criteria provided, multiple submitters, no conflicts (2 of 4 stars). 5 submissions from 5 submitters: Uncertain significance (5). Last evaluated 2025-12-28.

Conditions:
Hereditary cancer-predisposing syndrome. Also called: Hereditary neoplastic syndrome; Tumor predisposition; Neoplastic Syndromes, Hereditary; Hereditary Cancer Syndrome. Identifiers: Orphanet 140162, MedGen C0027672, MeSH D009386, MONDO:0015356.
Familial cancer of breast. Also called: Hereditary breast cancer; hereditary breast carcinoma; BREAST CANCER, FAMILIAL. Identifiers: Orphanet 227535, MedGen C0346153, MONDO:0016419, OMIM 114480. Disease mechanism: loss of function.
Fanconi anemia complementation group J. Also called: BRIP1-Related Fanconi Anemia. Identifiers: Orphanet 84, MedGen C1836860, MONDO:0012187, OMIM 609054.

Submissions (5):

Labcorp Genetics (formerly Invitae), Labcorp
Classification: Uncertain significance for Familial cancer of breast; Fanconi anemia complementation group J. Last evaluated: 2025-12-28. Review status: criteria provided, single submitter. Criteria: Invitae Variant Classification Sherloc (09022015). Collection method: clinical testing. Allele origin: germline.
Comment: This variant, c.656_658del, results in the deletion of 1 amino acid(s) of the BRIP1 protein (p.Cys219del), but otherwise preserves the integrity of the reading frame. This variant is not present in population databases (gnomAD no frequency). This variant has not been reported in the literature in individuals affected with BRIP1-related conditions. Experimental studies and prediction algorithms are not available or were not evaluated, and the functional significance of this variant is currently unknown. In summary, the available evidence is currently insufficient to determine the role of this variant in disease. Therefore, it has been classified as a Variant of Uncertain Significance.

Color Diagnostics, LLC DBA Color Health
Classification: Uncertain significance for Hereditary cancer-predisposing syndrome. Last evaluated: 2025-04-09. Review status: criteria provided, single submitter. Criteria: ACMG Guidelines, 2015. Collection method: clinical testing. Allele origin: germline.
Comment: This variant causes an in-frame deletion of 1 amino acid in exon 4 of the BRIP1 protein. To our knowledge, functional studies have not been reported for this variant. This variant has not been reported in individuals affected with BRIP1-related disorders in the literature. This variant has not been identified in the general population by the Genome Aggregation Database (gnomAD). The available evidence is insufficient to determine the role of this variant in disease conclusively. Therefore, this variant is classified as a Variant of Uncertain Significance.

CeGaT Center for Human Genetics Tuebingen
Classification: Uncertain significance. Last evaluated: 2025-01-01. Review status: criteria provided, single submitter. Criteria: CeGaT Center For Human Genetics Tuebingen Variant Classification Criteria Version 2. Collection method: clinical testing. Allele origin: germline. Affected: yes. Observed: 1 variant allele.
Comment: BRIP1: PM2, PM4:Supporting

Ambry Genetics
Classification: Uncertain significance for Hereditary cancer-predisposing syndrome. Last evaluated: 2024-04-19. Review status: criteria provided, single submitter. Criteria: Ambry Variant Classification Scheme 2023. Collection method: clinical testing. Allele origin: germline.
Comment: The c.656_658delGTT variant (also known as p.C219del) is located in coding exon 6 of the BRIP1 gene. This variant results from an in-frame GTT deletion at nucleotide positions 656 to 658. This results in the in-frame deletion of a cysteine at codon 219. This amino acid position is highly conserved in available vertebrate species. In addition, the in silico prediction for this alteration is inconclusive (Choi Y et al. PLoS ONE. 2012; 7(10):e46688). Since supporting evidence is limited at this time, the clinical significance of this alteration remains unclear.

Baylor Genetics
Classification: Uncertain significance for Familial cancer of breast. Last evaluated: 2024-03-25. Review status: criteria provided, single submitter. Criteria: ACMG Guidelines, 2015. Collection method: clinical testing. Allele origin: unknown.

NM_032043.3(BRIP1):c.653GTT[1] (p.Cys219del)

Gene: BRIP1 (BRCA1 interacting DNA helicase 1; minus strand). Cytogenetic location: 17q23.2.
Variant type: Microsatellite.
Coding change: c.653GTT[1] on transcript NM_032043.3 (MANE Select); one copy of the 3-base unit GTT starting at c.653; the reference has two copies in a row; one copy, 3 bases deleted; also written c.656_658del.
Protein change: p.Cys219del; deletes cysteine 219.
Molecular consequence: inframe deletion.
Genome position (GRCh38, 1-based): chr17:61,808,727-61,808,729, AAC deleted on the plus strand (GTT on the coding strand, the reverse complement: BRIP1 is on the minus strand); deleting any 3 consecutive bases within chr17:61,808,727-61,808,733 gives the same sequence; the position shown is the placement nearest the transcript's 3' end. VCF-style (leftmost placement, unchanged base first): chr17-61808726-GAAC-G. GRCh37 (hg19) VCF-style: chr17-59886087-GAAC-G.
Other names: c.656_658del (NM_032043.3); c.656_658delGTT (NM_032043.2); short protein forms C219del.
Identifiers: ClinVar variation 479451 (VCV000479451.33), dbSNP rs1555609353, ClinGen allele CA658658681.